The following is an entry in ClinVar:

NM_020806.5(GPHN):c.1769C>T (p.Ala590Val)

Gene: GPHN (gephyrin; plus strand). Cytogenetic location: 14q23.3.
Variant type: single nucleotide variant.
Coding change: c.1769C>T on transcript NM_020806.5 (MANE Select); coding-DNA position 1769, C replaced by T.
Protein change: p.Ala590Val; replaces alanine 590 with valine.
Molecular consequence: missense variant.
Genome position (GRCh38, 1-based): chr14:67,143,382, C>T. VCF-style: chr14-67143382-C-T. GRCh37 (hg19) VCF-style: chr14-67610099-C-T.
Other names: c.1670C>T, p.Ala557Val (NM_001024218.2); c.1829C>T, p.Ala610Val (NM_001377514.1); c.1799C>T, p.Ala600Val (NM_001377515.1); c.1790C>T, p.Ala597Val (NM_001377516.1); c.1742C>T, p.Ala581Val (NM_001377517.1); c.1727C>T, p.Ala576Val (NM_001377518.1); c.1709C>T, p.Ala570Val (NM_001377519.1); short protein forms A610V, A581V, A576V, A597V, A600V, A557V, A570V, A590V.
Identifiers: ClinVar variation 964103 (VCV000964103.9), dbSNP rs2080612237, ClinGen allele CA390259536.

ClinVar aggregate classification (germline): Uncertain significance (1 of 4 stars; one submission).

Conditions:
Sulfite oxidase deficiency due to molybdenum cofactor deficiency type C. Also called: Molybdenum cofactor deficiency, complementation group C; Molybdenum cofactor deficiency C. Identifiers: Orphanet 308400, Orphanet 833, MedGen C1854990, MONDO:0014212, OMIM 615501.

Submission:

Labcorp Genetics (formerly Invitae), Labcorp
Classification: Uncertain significance for Sulfite oxidase deficiency due to molybdenum cofactor deficiency type C. Last evaluated: 2020-01-10. Review status: criteria provided, single submitter. Criteria: Invitae Variant Classification Sherloc (09022015). Collection method: clinical testing. Allele origin: germline.
Comment: This sequence change replaces alanine with valine at codon 590 of the GPHN protein (p.Ala590Val). The alanine residue is moderately conserved and there is a small physicochemical difference between alanine and valine. This variant is not present in population databases (ExAC no frequency). This variant has not been reported in the literature in individuals with GPHN-related conditions. Algorithms developed to predict the effect of missense changes on protein structure and function are either unavailable or do not agree on the potential impact of this missense change (SIFT: "Deleterious"; PolyPhen-2: "Probably Damaging"; Align-GVGD: "Class C0"). In summary, the available evidence is currently insufficient to determine the role of this variant in disease. Therefore, it has been classified as a Variant of Uncertain Significance.